The following is an entry in ClinVar:

ClinVar aggregate classification (germline): Uncertain significance. Review status: criteria provided, multiple submitters, no conflicts (2 of 4 stars). 2 submissions from 2 submitters: Uncertain significance (2). Last evaluated 2025-07-01.

Submissions (2):

CeGaT Center for Human Genetics Tuebingen
Classification: Uncertain significance. Last evaluated: 2025-07-01. Review status: criteria provided, single submitter. Criteria: CeGaT Center For Human Genetics Tuebingen Variant Classification Criteria Version 2. Collection method: clinical testing. Allele origin: germline. Affected: yes. Observed: 1 variant allele.
Comment: COL4A3: PM2

Labcorp Genetics (formerly Invitae), Labcorp
Classification: Uncertain significance. Last evaluated: 2024-09-04. Review status: criteria provided, single submitter. Criteria: Invitae Variant Classification Sherloc (09022015). Collection method: clinical testing. Allele origin: germline.
Comment: This sequence change replaces glutamine, which is neutral and polar, with arginine, which is basic and polar, at codon 371 of the COL4A3 protein (p.Gln371Arg). This variant is present in population databases (rs199543633, gnomAD 0.0009%). This variant has not been reported in the literature in individuals affected with COL4A3-related conditions. An algorithm developed to predict the effect of missense changes on protein structure and function (PolyPhen-2) suggests that this variant is likely to be disruptive. In summary, the available evidence is currently insufficient to determine the role of this variant in disease. Therefore, it has been classified as a Variant of Uncertain Significance.

NM_000091.5(COL4A3):c.1112A>G (p.Gln371Arg)

Genes: COL4A3 (collagen type IV alpha 3 chain; plus strand), MFF-DT (MFF divergent transcript; minus strand). Cytogenetic location: 2q36.3.
Variant type: single nucleotide variant.
Coding change: c.1112A>G on transcript NM_000091.5 (MANE Select); coding-DNA position 1112, A replaced by G.
Protein change: p.Gln371Arg; replaces glutamine 371 with arginine.
Molecular consequence: missense variant.
Genome position (GRCh38, 1-based): chr2:227,259,875, A>G. VCF-style: chr2-227259875-A-G. GRCh37 (hg19) VCF-style: chr2-228124591-A-G.
Other names: short protein forms Q371R.
Identifiers: ClinVar variation 3641620 (VCV003641620.10).